The following is an entry in ClinVar:

NM_006269.2(RP1):c.2161del (p.Gly723fs)

Gene: RP1 (RP1 axonemal microtubule associated; plus strand). Cytogenetic location: 8q12.1.
Variant type: Deletion.
Coding change: c.2161del on transcript NM_006269.2 (MANE Select); coding-DNA position 2161, one base deleted (C; older notation c.2161delC).
Protein change: p.Gly723fs; shifts the reading frame from glycine 723.
Molecular consequence: frameshift variant. On other transcripts: intron variant (1).
Genome position (GRCh38, 1-based): chr8:54,626,043, C deleted; the last of 4 consecutive C bases (chr8:54,626,040-54,626,043); deleting any one gives the same sequence. VCF-style (leftmost placement, unchanged base first): chr8-54626039-TC-T. GRCh37 (hg19) VCF-style: chr8-55538599-TC-T.
Other names: c.787+3755del (NM_001375654.1); short protein forms G723fs.
Identifiers: ClinVar variation 810288 (VCV000810288.51), dbSNP rs755429480, ClinGen allele CA4751486.
Genomic context (GRCh38, chr8:54,626,039, plus strand): 5'-TGAGAGAATAAACACAAAAGGTAGAATTACAAAGGAAATGATAGTGCAAGATTCAGATAG[TC>T]CCCTTAAAGGAGGGATACTTTGTGAGGAAGACCTCCAGAAAAGTGATACTGTAATTGAAT-3'

ClinVar aggregate classification (germline): Pathogenic/Likely pathogenic. Review status: criteria provided, multiple submitters, no conflicts (2 of 4 stars). 5 submissions from 5 submitters: Pathogenic (3); Likely pathogenic (2). Last evaluated 2025-12-21.

Conditions:
Retinal dystrophy. Also called: Inherited retinal dystrophy. Identifiers: Orphanet 71862, MedGen C0854723, MeSH D058499, MONDO:0019118, HP:0000556.
Retinitis pigmentosa 1 (RP1). Identifiers: Orphanet 791, MedGen C0220701, MONDO:0008377, OMIM 180100.

Submissions (5):

Labcorp Genetics (formerly Invitae), Labcorp
Classification: Pathogenic. Last evaluated: 2025-12-21. Review status: criteria provided, single submitter. Criteria: Invitae Variant Classification Sherloc (09022015). Collection method: clinical testing. Allele origin: germline.
Comment: This sequence change creates a premature translational stop signal (p.Gly723Glufs*15) in the RP1 gene. While this is not anticipated to result in nonsense mediated decay, it is expected to disrupt the last 1434 amino acid(s) of the RP1 protein. This variant is present in population databases (rs755429480, gnomAD 0.0009%). This premature translational stop signal has been observed in individuals with autosomal dominant retinitis pigmentosa (PMID: 26766544). ClinVar contains an entry for this variant (Variation ID: 810288). This variant disrupts the C-terminus of the RP1 protein. Many variants that disrupt this region have been reported in individuals with either autosomal dominant or autosomal recessive retinitis pigmentosa (PMID: 11527933, 19933189, 29425069, 30027431, 33681214). Therefore, variants that disrupt this region are expected to be disease-causing. For these reasons, this variant has been classified as Pathogenic.

MGZ Medical Genetics Center
Classification: Likely pathogenic for Retinitis pigmentosa 1. Last evaluated: 2021-11-09. Review status: criteria provided, single submitter. Criteria: ACMG Guidelines, 2015. Collection method: clinical testing. Allele origin: germline. Affected: yes. Observed: 1 variant allele.
Comment: ACMG criteria applied: PVS1, PM2_SUP

Institute of Medical Genetics and Applied Genomics, University Hospital Tübingen
Classification: Pathogenic. Last evaluated: 2020-10-23. Review status: criteria provided, single submitter. Criteria: ACMG Guidelines, 2015. Collection method: clinical testing. Allele origin: germline. Inheritance: Unknown mechanism. Affected: yes.

Institute of Human Genetics, Univ. Regensburg, Univ. Regensburg
Classification: Pathogenic for Retinal dystrophy. Last evaluated: 2019-01-01. Review status: criteria provided, single submitter. Criteria: ACMG Guidelines, 2015. Collection method: clinical testing. Allele origin: germline. Affected: yes.

CeGaT Center for Human Genetics Tuebingen
Classification: Likely pathogenic. Last evaluated: 2017-05-01. Review status: criteria provided, single submitter. Criteria: CeGaT Center For Human Genetics Tuebingen Variant Classification Criteria Version 2. Collection method: clinical testing. Allele origin: germline. Affected: yes. Observed: 1 variant allele.

Literature cited by the submitters: PubMed 26766544 (cited by Labcorp Genetics (formerly Invitae), Labcorp and Institute of Human Genetics, Univ. Regensburg, Univ. Regensburg); PubMed 11527933 (cited by Labcorp Genetics (formerly Invitae), Labcorp); PubMed 19933189 (cited by Labcorp Genetics (formerly Invitae), Labcorp); PubMed 29425069 (cited by Labcorp Genetics (formerly Invitae), Labcorp); PubMed 30027431 (cited by Labcorp Genetics (formerly Invitae), Labcorp); PubMed 33681214 (cited by Labcorp Genetics (formerly Invitae), Labcorp); PubMed 31964843 (cited by Institute of Human Genetics, Univ. Regensburg, Univ. Regensburg); PubMed 32531858 (cited by Institute of Human Genetics, Univ. Regensburg, Univ. Regensburg).